The following is an entry in ClinVar:

ClinVar aggregate classification (germline): Uncertain significance (1 of 4 stars; one submission).

Allele frequency attached by ClinVar (database versions not stated): gnomAD exomes below 0.00001.
gnomAD v4.1: 6 of 1,614,064 alleles (0.00037%); highest among the groups gnomAD compares: Non-Finnish European, 0.00051%; no homozygotes.

Submission:

Institute for Clinical Genetics, University Hospital TU Dresden, University Hospital TU Dresden
Classification: Uncertain significance. Last evaluated: 2022-03-29. Review status: criteria provided, single submitter. Criteria: ACMG Guidelines, 2015. Collection method: clinical testing. Allele origin: de novo.
Comment: PP3, PP4, PM1, PM2_SUP

NM_001089.3(ABCA3):c.3070C>T (p.Leu1024Phe)

Gene: ABCA3 (ATP binding cassette subfamily A member 3; minus strand). Cytogenetic location: 16p13.3.
Variant type: single nucleotide variant.
Coding change: c.3070C>T on transcript NM_001089.3 (MANE Select); coding-DNA position 3070, C replaced by T.
Protein change: p.Leu1024Phe; replaces leucine 1024 with phenylalanine.
Molecular consequence: missense variant.
Genome position (GRCh38, 1-based): chr16:2,286,902, G>A on the plus strand (C>T on the coding strand, the complement: ABCA3 is on the minus strand). VCF-style: chr16-2286902-G-A. GRCh37 (hg19) VCF-style: chr16-2336903-G-A.
Other names: short protein forms L1024F.
Identifiers: ClinVar variation 2575961 (VCV002575961.1), dbSNP rs1428844551, ClinGen allele CA394320822.